The following is an entry in ClinVar:

NM_006269.2(RP1):c.5620G>T (p.Ala1874Ser)

Genes: RP1 (RP1 axonemal microtubule associated; plus strand), LOC126860392 (CDK7 strongly-dependent group 2 enhancer GRCh37_chr8:55541319-55542518; plus strand). Cytogenetic location: 8q12.1.
Variant type: single nucleotide variant.
Coding change: c.5620G>T on transcript NM_006269.2 (MANE Select); coding-DNA position 5620, G replaced by T.
Protein change: p.Ala1874Ser; replaces alanine 1874 with serine.
Molecular consequence: missense variant. On other transcripts: intron variant (1).
Genome position (GRCh38, 1-based): chr8:54,629,502, G>T. VCF-style: chr8-54629502-G-T. GRCh37 (hg19) VCF-style: chr8-55542062-G-T.
Other names: c.787+7214G>T (NM_001375654.1); short protein forms A1874S.
Identifiers: ClinVar variation 1981867 (VCV001981867.4), dbSNP rs1563333264, ClinGen allele CA370987476.
Genomic context (GRCh38, chr8:54,629,502, plus strand): 5'-GAGAAGGGTAGTCATCAGTCAGAAAGAGTATGCACATCTGTCACTCATTCCTTTATTTCT[G>T]CTGGTAACAAAGTCTACCCTGTCTCTGATGATGCTATTAAAAACCAACCATTGCCTGGCA-3'
Protein context (NP_006260.1, residues 1864-1884): CTSVTHSFIS[Ala1874Ser]GNKVYPVSDD

ClinVar aggregate classification (germline): Uncertain significance (1 of 4 stars; one submission).

Allele frequency attached by ClinVar (database versions not stated): gnomAD exomes below 0.00001; TOPMed below 0.00001.
gnomAD v4.1: 5 of 1,614,030 alleles (0.00031%); highest among the groups gnomAD compares: Admixed American, 0.005%; no homozygotes.

Submission:

Labcorp Genetics (formerly Invitae), Labcorp
Classification: Uncertain significance. Last evaluated: 2022-02-14. Review status: criteria provided, single submitter. Criteria: Invitae Variant Classification Sherloc (09022015). Collection method: clinical testing. Allele origin: germline.
Comment: In summary, the available evidence is currently insufficient to determine the role of this variant in disease. Therefore, it has been classified as a Variant of Uncertain Significance. Algorithms developed to predict the effect of missense changes on protein structure and function output the following: SIFT: "Tolerated"; PolyPhen-2: "Benign"; Align-GVGD: "Class C0". The serine amino acid residue is found in multiple mammalian species, which suggests that this missense change does not adversely affect protein function. This variant has not been reported in the literature in individuals affected with RP1-related conditions. This variant is present in population databases (no rsID available, gnomAD 0.006%). This sequence change replaces alanine, which is neutral and non-polar, with serine, which is neutral and polar, at codon 1874 of the RP1 protein (p.Ala1874Ser).